The following is an entry in ClinVar:

NM_001372044.2(SHANK3):c.1201G>A (p.Ala401Thr)

Gene: SHANK3 (SH3 and multiple ankyrin repeat domains 3; plus strand). Cytogenetic location: 22q13.33.
Variant type: single nucleotide variant.
Coding change: c.1201G>A on transcript NM_001372044.2 (MANE Select); coding-DNA position 1201, G replaced by A.
Protein change: p.Ala401Thr; replaces alanine 401 with threonine.
Molecular consequence: missense variant.
Genome position (GRCh38, 1-based): chr22:50,684,597, G>A. VCF-style: chr22-50684597-G-A. GRCh37 (hg19) VCF-style: chr22-51123025-G-A.
Other names: c.976G>A (NM_033517.1); short protein forms A401T.
Identifiers: ClinVar variation 1181219 (VCV001181219.14), dbSNP rs371238756, ClinGen allele CA10325442.

ClinVar aggregate classification (germline): Benign/Likely benign. Review status: criteria provided, multiple submitters, no conflicts (2 of 4 stars). 3 submissions from 3 submitters: Benign (1); Likely benign (2). Last evaluated 2025-05-01.

Conditions:
Inborn genetic diseases. Identifiers: MedGen C0950123, MeSH D030342.

Allele frequency attached by ClinVar (database versions not stated): ESP Exome Variant Server 0.00008; gnomAD 0.00009 and 0.00010.

Submissions (3):

CeGaT Center for Human Genetics Tuebingen
Classification: Likely benign. Last evaluated: 2025-05-01. Review status: criteria provided, single submitter. Criteria: CeGaT Center For Human Genetics Tuebingen Variant Classification Criteria Version 2. Collection method: clinical testing. Allele origin: germline. Affected: yes. Observed: 1 variant allele.
Comment: SHANK3: BS1

Ambry Genetics
Classification: Likely benign for Inborn genetic diseases. Last evaluated: 2021-11-08. Review status: criteria provided, single submitter. Criteria: Ambry Variant Classification Scheme 2023. Collection method: clinical testing. Allele origin: germline.

GeneDx
Classification: Benign. Last evaluated: 2020-04-02. Review status: criteria provided, single submitter. Criteria: GeneDx Variant Classification Process June 2021. Collection method: clinical testing. Allele origin: germline. Affected: yes.
Comment: In silico analysis supports that this missense variant has a deleterious effect on protein structure/function; This variant is associated with the following publications: (PMID: 22558107)